The following is an entry in ClinVar:

ClinVar aggregate classification (germline): Pathogenic (3 of 4 stars; one submission).

Conditions:
Breast-ovarian cancer, familial, susceptibility to, 1 (BROVCA1). Also called: BRCA1 Hereditary Breast and Ovarian Cancer; OVARIAN CANCER, SUSCEPTIBILITY TO. Identifiers: Orphanet 145, MedGen C2676676, MONDO:0011450, OMIM 604370. Disease mechanism: loss of function.

Submission:

Evidence-based Network for the Interpretation of Germline Mutant Alleles (ENIGMA)
Classification: Pathogenic for Breast-ovarian cancer, familial, susceptibility to, 1. Last evaluated: 2017-12-15. Review status: reviewed by expert panel. Criteria: ENIGMA BRCA1/2 Classification Criteria (2017-06-29). Collection method: curation. Allele origin: germline. Study: ENIGMA.
Comment: Variant allele predicted to encode a truncated non-functional protein.

NM_007294.4(BRCA1):c.3309_3310insC (p.Lys1104fs)

Genes: BRCA1 (BRCA1 DNA repair associated; minus strand), LOC126862571 (BRD4-independent group 4 enhancer GRCh37_chr17:41243136-41244335; plus strand). Cytogenetic location: 17q21.31.
Variant type: Insertion.
Coding change: c.3309_3310insC on transcript NM_007294.4 (MANE Select); coding-DNA positions 3309 to 3310, C inserted.
Protein change: p.Lys1104fs; shifts the reading frame from lysine 1104.
Molecular consequence: frameshift variant. On other transcripts: intron variant (137).
Genome position: GRCh38 VCF-style: chr17-43092221-T-TG. GRCh37 (hg19) VCF-style: chr17-41244238-T-TG.
Other names: c.461-1190_461-1189insC (NM_001408506.1, NM_001408507.1); c.578-1190_578-1189insC (NM_001408481.1, NM_001408480.1, NM_001408492.1 and 9 more transcripts); c.779-1190_779-1189insC (NM_001408408.1); c.662-1190_662-1189insC (NM_001408446.1, NM_001408435.1, NM_001408448.1 and 6 more transcripts); c.785-1190_785-1189insC (NM_001408401.1, NM_001408396.1, NM_001407985.1 and 13 more transcripts); c.548-1190_548-1189insC (NM_001408494.1); c.665-1190_665-1189insC (NM_001408444.1, NM_001408438.1, NM_001408430.1 and 12 more transcripts); c.671-1190_671-1189insC (NM_001408423.1, NM_001408420.1, NM_001408419.1 and 2 more transcripts); and 41 more; short protein forms K1057fs, K1104fs, K1015fs, K1016fs, K1103fs, K808fs, K1033fs, K1036fs.
Identifiers: ClinVar variation 548200 (VCV000548200.2), dbSNP rs1555587980, ClinGen allele CA658823975.
Genomic context (GRCh38, chr17:43,092,221, plus strand): 5'-AATCTGTATTAACAGTCTGAACTACTTCTTCATATTCTTGCTTTTTTATTTCAGGATGCT[T>TG]ACAATTACTTCCAGGAAGACTTTGTTTATAGACCTCAGGTTGCAAAACCCCTAATCTAAG-3'